The following is an entry in ClinVar:

ClinVar aggregate classification (germline): Benign (1 of 4 stars; one submission).

Conditions:
Congenital glucose-galactose malabsorption (GGM). Also called: DIARRHEA 16; MONOSACCHARIDE MALABSORPTION. Identifiers: Orphanet 35710, MedGen C0268186, MONDO:0011731, OMIM 606824.

Allele frequency attached by ClinVar (database versions not stated): gnomAD 0.00406 and 0.00438; TOPMed 0.00431; 1000 Genomes Project 0.00539; 1000 Genomes Project 30x 0.00562.

Submission:

Illumina Laboratory Services, Illumina
Classification: Benign for Congenital glucose-galactose malabsorption. Last evaluated: 2018-01-12. Review status: criteria provided, single submitter. Criteria: ICSL Variant Classification Criteria 13 December 2019. Collection method: clinical testing. Allele origin: germline.
Comment: This variant was observed in the ICSL laboratory as part of a predisposition screen in an ostensibly healthy population. It had not been previously curated by ICSL or reported in the Human Gene Mutation Database (HGMD: prior to June 1st, 2018), and was therefore a candidate for classification through an automated scoring system. Utilizing variant allele frequency, disease prevalence and penetrance estimates, and inheritance mode, an automated score was calculated to assess if this variant is too frequent to cause the disease. Based on the score and internal cut-off values, a variant classified as benign is not then subjected to further curation. The score for this variant resulted in a classification of benign for this disease.

NM_000343.4(SLC5A1):c.*2275C>T

Gene: SLC5A1 (solute carrier family 5 member 1; plus strand). Cytogenetic location: 22q12.3.
Variant type: single nucleotide variant.
Coding change: c.*2275C>T on transcript NM_000343.4 (MANE Select); 2275 bases downstream of the stop codon, C replaced by T.
Molecular consequence: 3 prime UTR variant.
Genome position (GRCh38, 1-based): chr22:32,112,488, C>T. VCF-style: chr22-32112488-C-T. GRCh37 (hg19) VCF-style: chr22-32508475-C-T.
Other names: c.*2275C>T (NM_001256314.2).
Identifiers: ClinVar variation 903475 (VCV000903475.4), dbSNP rs144145176, ClinGen allele CA323391027.
Genomic context (GRCh38, chr22:32,112,488, plus strand): 5'-GTGAGGTCAATTGATACTGCTTAAAAGGCCCGGTCCGTAGAAAATGCCCAATAAACATTA[C>T]TGCTTTCCCCCTCACCCTACTGCCTGAAAAAATATTACACCTGTGAGACTGACTTTGAGA-3'